The following is an entry in ClinVar:

NM_019066.5(MAGEL2):c.2901G>T (p.Leu967=)

Gene: MAGEL2 (MAGE family member L2; minus strand). Cytogenetic location: 15q11.2.
Variant type: single nucleotide variant.
Coding change: c.2901G>T on transcript NM_019066.5 (MANE Select); coding-DNA position 2901, G replaced by T.
Protein change: p.Leu967=; no amino-acid change (leucine 967 retained).
Molecular consequence: synonymous variant.
Genome position (GRCh38, 1-based): chr15:23,644,842, C>A on the plus strand (G>T on the coding strand, the complement: MAGEL2 is on the minus strand). VCF-style: chr15-23644842-C-A. GRCh37 (hg19) VCF-style: chr15-23889989-C-A.
Identifiers: ClinVar variation 4681540 (VCV004681540.5).

ClinVar aggregate classification (germline): Likely benign (1 of 4 stars; one submission).

Submission:

CeGaT Center for Human Genetics Tuebingen
Classification: Likely benign. Last evaluated: 2025-12-01. Review status: criteria provided, single submitter. Criteria: CeGaT Center For Human Genetics Tuebingen Variant Classification Criteria Version 2. Collection method: clinical testing. Allele origin: germline. Affected: yes. Observed: 1 variant allele.
Comment: MAGEL2: PM2:Supporting, BP4, BP7